The following is an entry in ClinVar:

NM_000384.3(APOB):c.13541T>C (p.Ile4514Thr)

Gene: APOB (apolipoprotein B; minus strand). Cytogenetic location: 2p24.1.
Variant type: single nucleotide variant.
Coding change: c.13541T>C on transcript NM_000384.3 (MANE Select); coding-DNA position 13541, T replaced by C.
Protein change: p.Ile4514Thr; replaces isoleucine 4514 with threonine.
Molecular consequence: missense variant.
Genome position (GRCh38, 1-based): chr2:21,001,881, A>G on the plus strand (T>C on the coding strand, the complement: APOB is on the minus strand). VCF-style: chr2-21001881-A-G. GRCh37 (hg19) VCF-style: chr2-21224753-A-G.
Other names: short protein forms I4514T.
Identifiers: ClinVar variation 4792310 (VCV004792310.1).

ClinVar aggregate classification (germline): Uncertain significance (1 of 4 stars; one submission).

Conditions:
Familial hypobetalipoproteinemia 1. Also called: Hypobetalipoproteinemia, normotriglyceridemic; Acanthocytosis with hypobetalipoproteinemia; APOB-Related Familial Hypobetalipoproteinemia. Identifiers: MedGen C4551990, MONDO:0014252, OMIM 615558.
Hypercholesterolemia, autosomal dominant, type B (FHCL2). Also called: Familial Hypercholesterolemia Type B; APOLIPOPROTEIN B-100, FAMILIAL DEFECTIVE; APOLIPOPROTEIN B-100, FAMILIAL LIGAND-DEFECTIVE; HYPERCHOLESTEROLEMIA, FAMILIAL, DUE TO LIGAND-DEFECTIVE APOLIPOPROTEIN B; APOB-Related Familial Hypercholesterolemia, Autosomal Dominant; Hyperlipoproteinemia Type IIb. Identifiers: MedGen C1704417, MONDO:0007751, OMIM 144010.

gnomAD v4.1: 1 of 1,614,078 alleles (0.000062%); highest among the groups gnomAD compares: Admixed American, 0.0017%; no homozygotes.

Submission:

Labcorp Genetics (formerly Invitae), Labcorp
Classification: Uncertain significance for Familial hypobetalipoproteinemia 1; Hypercholesterolemia, autosomal dominant, type B. Last evaluated: 2025-10-27. Review status: criteria provided, single submitter. Criteria: Invitae Variant Classification Sherloc (09022015). Collection method: clinical testing. Allele origin: germline.
Comment: This sequence change replaces isoleucine, which is neutral and non-polar, with threonine, which is neutral and polar, at codon 4514 of the APOB protein (p.Ile4514Thr). This variant is not present in population databases (gnomAD no frequency). This variant has not been reported in the literature in individuals affected with APOB-related conditions. Invitae Evidence Modeling of protein sequence and biophysical properties (such as structural, functional, and spatial information, amino acid conservation, physicochemical variation, residue mobility, and thermodynamic stability) indicates that this missense variant is not expected to disrupt APOB protein function with a negative predictive value of 95%. In summary, the available evidence is currently insufficient to determine the role of this variant in disease. Therefore, it has been classified as a Variant of Uncertain Significance.